The following is an entry in ClinVar:

NM_016464.5(TMEM138):c.227A>G (p.His76Arg)

Gene: TMEM138 (transmembrane protein 138; plus strand). Cytogenetic location: 11q12.2.
Variant type: single nucleotide variant.
Coding change: c.227A>G on transcript NM_016464.5 (MANE Select); coding-DNA position 227, A replaced by G.
Protein change: p.His76Arg; replaces histidine 76 with arginine.
Molecular consequence: missense variant. On other transcripts: non-coding transcript variant (1).
Genome position (GRCh38, 1-based): chr11:61,366,143, A>G. VCF-style: chr11-61366143-A-G. GRCh37 (hg19) VCF-style: chr11-61133615-A-G.
Other names: c.53A>G, p.His18Arg (NM_001330281.2); short protein forms H18R, H76R.
Identifiers: ClinVar variation 1501313 (VCV001501313.8), dbSNP rs1411782602, ClinGen allele CA380679048.

ClinVar aggregate classification (germline): Uncertain significance (1 of 4 stars; one submission).

Conditions:
Joubert syndrome 16 (JBTS16). Identifiers: Orphanet 2318, MedGen C3280906, MONDO:0013764, OMIM 614465.

gnomAD v4.1: 4 of 1,614,160 alleles (0.00025%); highest among the groups gnomAD compares: East Asian, 0.0022%; no homozygotes.

Submission:

Labcorp Genetics (formerly Invitae), Labcorp
Classification: Uncertain significance for Joubert syndrome 16. Last evaluated: 2022-06-13. Review status: criteria provided, single submitter. Criteria: Invitae Variant Classification Sherloc (09022015). Collection method: clinical testing. Allele origin: germline.
Comment: This sequence change replaces histidine, which is basic and polar, with arginine, which is basic and polar, at codon 76 of the TMEM138 protein (p.His76Arg). In summary, the available evidence is currently insufficient to determine the role of this variant in disease. Therefore, it has been classified as a Variant of Uncertain Significance. Algorithms developed to predict the effect of sequence changes on RNA splicing suggest that this variant may disrupt the consensus splice site. Algorithms developed to predict the effect of missense changes on protein structure and function output the following: SIFT: "Tolerated"; PolyPhen-2: "Benign"; Align-GVGD: "Class C0". The arginine amino acid residue is found in multiple mammalian species, which suggests that this missense change does not adversely affect protein function. This variant has not been reported in the literature in individuals affected with TMEM138-related conditions. This variant is present in population databases (no rsID available, gnomAD 0.006%).